The following is an entry in ClinVar:

ClinVar aggregate classification (germline): Pathogenic (1 of 4 stars; one submission).

Conditions:
Hypertrophic cardiomyopathy 4. Also called: Familial hypertrophic cardiomyopathy 4. Identifiers: MedGen C1861862, MONDO:0007268, OMIM 115197.

Submission:

Victorian Clinical Genetics Services, Murdoch Childrens Research Institute
Classification: Pathogenic for Hypertrophic cardiomyopathy 4. Last evaluated: 2022-06-24. Review status: criteria provided, single submitter. Criteria: ACMG Guidelines, 2015. Collection method: clinical testing. Allele origin: germline. Affected: yes.
Comment: Based on the classification scheme VCGS_Germline_v1.3.4, this variant is classified as Pathogenic. Following criteria are met: 0102 - Loss of function is a known mechanism of disease in this gene and is associated with hypertrophic cardiomyopathy 4 (HCM; MIM#115197). (I) 0108 - This gene is associated with both recessive and dominant disease. Dominant inheritance is frequently reported in adult-onset conditions, however recessive inheritance results in a more severe early onset phenotype (OMIM). (I) 0115 - Variants in this gene are known to have variable expressivity (PMID: 32841044). (I) 0201 - Variant is predicted to cause nonsense-mediated decay (NMD) and loss of protein (premature termination codon is located at least 54 nucleotides upstream of the final exon-exon junction). (SP) 0251 - This variant is heterozygous. (I) 0301 - Variant is absent from gnomAD (both v2 and v3). (SP) 0701 - Other NMD variants comparable to the one identified in this case have very strong previous evidence for pathogenicity (DECIPHER). (SP) 0803 - This variant has limited previous evidence of pathogenicity in an individual with HCM (LOVD, PMIDs: 23674513, 32369506). (SP) 0905 - No published segregation evidence has been identified for this variant. (I) 1007 - No published functional evidence has been identified for this variant. (I) 1208 - Inheritance information for this variant is not currently available in this individual. (I) Legend: (SP) - Supporting pathogenic, (I) - Information, (SB) - Supporting benign

Literature cited by the submitters: PubMed 23674513; PubMed 32369506; PubMed 32841044.

NM_000256.3(MYBPC3):c.3029del (p.Glu1010fs)

Gene: MYBPC3 (myosin binding protein C3; minus strand). Cytogenetic location: 11p11.2.
Variant type: Deletion.
Coding change: c.3029del on transcript NM_000256.3 (MANE Select); coding-DNA position 3029, one base deleted (A; older notation c.3029delA).
Protein change: p.Glu1010fs; shifts the reading frame from glutamic acid 1010.
Molecular consequence: frameshift variant.
Genome position (GRCh38, 1-based): chr11:47,333,718, T deleted on the plus strand (A on the coding strand, the reverse complement: MYBPC3 is on the minus strand). VCF-style (leftmost placement, unchanged base first): chr11-47333717-CT-C. GRCh37 (hg19) VCF-style: chr11-47355268-CT-C.
Other names: c.3029delA (NM_000256.3); short protein forms E1010fs.
Identifiers: ClinVar variation 3377518 (VCV003377518.1).